The following is an entry in ClinVar:

NM_000069.3(CACNA1S):c.4656T>C (p.Ile1552=)

Gene: CACNA1S (calcium voltage-gated channel subunit alpha1 S; minus strand). Cytogenetic location: 1q32.1.
Variant type: single nucleotide variant.
Coding change: c.4656T>C on transcript NM_000069.3 (MANE Select); coding-DNA position 4656, T replaced by C.
Protein change: p.Ile1552=; no amino-acid change (isoleucine 1552 retained).
Molecular consequence: synonymous variant.
Genome position (GRCh38, 1-based): chr1:201,047,127, A>G on the plus strand (T>C on the coding strand, the complement: CACNA1S is on the minus strand). VCF-style: chr1-201047127-A-G. GRCh37 (hg19) VCF-style: chr1-201016255-A-G.
Identifiers: ClinVar variation 3071765 (VCV003071765.1), dbSNP rs1660496683, ClinGen allele CA422717409.

ClinVar aggregate classification (germline): Likely benign (1 of 4 stars; one submission).

Conditions:
Malignant hyperthermia, susceptibility to, 5 (MHS5). Also called: CACNA1S-Related Malignant Hyperthermia Susceptibility. Identifiers: Orphanet 423, MedGen C1866077, MONDO:0011163, OMIM 601887.

Submission:

All of Us Research Program, National Institutes of Health
Classification: Likely benign for Malignant hyperthermia, susceptibility to, 5. Last evaluated: 2023-06-26. Review status: criteria provided, single submitter. Criteria: ACMG Guidelines, 2015. Collection method: clinical testing. Allele origin: germline. Inheritance: Autosomal dominant inheritance. Observed: 1 variant allele, 1 heterozygote.
Comment: This study involves interpretation of variants in research participants for the purpose of population health screening. Participant phenotype was not available at the time of variant classification. Additional details can be found in publication PMID: 35346344, PMCID: PMC8962531